The following is an entry in ClinVar:

ClinVar aggregate classification (germline): Uncertain significance. Review status: criteria provided, multiple submitters, no conflicts (2 of 4 stars). 2 submissions from 2 submitters: Uncertain significance (2). Last evaluated 2026-01-07.

Conditions:
Hereditary cancer-predisposing syndrome. Also called: Tumor predisposition; Neoplastic Syndromes, Hereditary; Hereditary Cancer Syndrome; Hereditary neoplastic syndrome. Identifiers: Orphanet 140162, MedGen C0027672, MeSH D009386, MONDO:0015356.

Allele frequency attached by ClinVar (database versions not stated): gnomAD exomes below 0.00001.

Submissions (2):

Ambry Genetics
Classification: Uncertain significance for Hereditary cancer-predisposing syndrome. Last evaluated: 2026-01-07. Review status: criteria provided, single submitter. Criteria: Ambry Variant Classification Scheme 2023. Collection method: clinical testing. Allele origin: germline.
Comment: The c.1923+4A>G intronic variant results from an A to G substitution 4 nucleotides after coding exon 17 in the POLE gene. This nucleotide position is well conserved in available vertebrate species. In silico splice site analysis predicts that this alteration will not have any significant effect on splicing. Based on the available evidence, the clinical significance of this variant remains unclear.

Labcorp Genetics (formerly Invitae), Labcorp
Classification: Uncertain significance. Last evaluated: 2025-05-04. Review status: criteria provided, single submitter. Criteria: Invitae Variant Classification Sherloc (09022015). Collection method: clinical testing. Allele origin: germline.
Comment: This sequence change falls in intron 17 of the POLE gene. It does not directly change the encoded amino acid sequence of the POLE protein. It affects a nucleotide within the consensus splice site. This variant is present in population databases (no rsID available, gnomAD 0.0009%). This variant has not been reported in the literature in individuals affected with POLE-related conditions. ClinVar contains an entry for this variant (Variation ID: 820344). Variants that disrupt the consensus splice site are a relatively common cause of aberrant splicing (PMID: 17576681, 9536098). Algorithms developed to predict the effect of sequence changes on RNA splicing suggest that this variant is not likely to affect RNA splicing. In summary, the available evidence is currently insufficient to determine the role of this variant in disease. Therefore, it has been classified as a Variant of Uncertain Significance.

Literature cited by the submitters: PubMed 17576681 (cited by Labcorp Genetics (formerly Invitae), Labcorp); PubMed 9536098 (cited by Labcorp Genetics (formerly Invitae), Labcorp).

NM_006231.4(POLE):c.1923+4A>G

Gene: POLE (DNA polymerase epsilon, catalytic subunit; minus strand). Cytogenetic location: 12q24.33.
Variant type: single nucleotide variant.
Coding change: c.1923+4A>G on transcript NM_006231.4 (MANE Select); 4 bases into the intron after coding-DNA position 1923, A replaced by G.
Molecular consequence: intron variant.
Genome position (GRCh38, 1-based): chr12:132,668,807, T>C on the plus strand (A>G on the coding strand, the complement: POLE is on the minus strand). VCF-style: chr12-132668807-T-C. GRCh37 (hg19) VCF-style: chr12-133245393-T-C.
Identifiers: ClinVar variation 820344 (VCV000820344.14), dbSNP rs1464802642, ClinGen allele CA608514254.